The following is an entry in ClinVar:

NM_000535.7(PMS2):c.1255del (p.Arg419fs)

Gene: PMS2 (PMS1 homolog 2, mismatch repair system component; minus strand). Cytogenetic location: 7p22.1.
Variant type: Deletion.
Coding change: c.1255del on transcript NM_000535.7 (MANE Select); coding-DNA position 1255, one base deleted (A; older notation c.1255delA).
Protein change: p.Arg419fs; shifts the reading frame from arginine 419.
Molecular consequence: frameshift variant. On other transcripts: non-coding transcript variant (1), intron variant (1).
Genome position (GRCh38, 1-based): chr7:5,987,510, T deleted on the plus strand (A on the coding strand, the reverse complement: PMS2 is on the minus strand). VCF-style (leftmost placement, unchanged base first): chr7-5987509-CT-C. GRCh37 (hg19) VCF-style: chr7-6027140-CT-C.
Other names: c.850del, p.Arg284fs (NM_001322003.2, NM_001322004.2, NM_001322005.2 and 16 more transcripts); c.1099del, p.Arg367fs (NM_001322006.2, NM_001406870.1); c.937del, p.Arg313fs (NM_001322007.2, NM_001322008.2, NM_001406876.1 and 2 more transcripts); c.694del, p.Arg232fs (NM_001322010.2, NM_001406906.1, NM_001406907.1); c.322del, p.Arg108fs (NM_001322011.2, NM_001322012.2); c.682del, p.Arg228fs (NM_001322013.2, NM_001406909.1); c.1255del, p.Arg419fs (NM_001322014.2, NM_001406871.1, NM_001406872.1); c.946del, p.Arg316fs (NM_001322015.2, NM_001406875.1, NM_001406877.1 and 5 more transcripts); and 13 more; short protein forms R108fs, R228fs, R248fs, R261fs, R264fs, R284fs, R297fs, R353fs.
Identifiers: ClinVar variation 5026928 (VCV005026928.1).

ClinVar aggregate classification (germline): Pathogenic (1 of 4 stars; one submission).

Conditions:
Hereditary cancer-predisposing syndrome. Also called: Neoplastic Syndromes, Hereditary; Tumor predisposition; Hereditary neoplastic syndrome; Hereditary Cancer Syndrome. Identifiers: Orphanet 140162, MedGen C0027672, MeSH D009386, MONDO:0015356.

Submission:

Ambry Genetics
Classification: Pathogenic for Hereditary cancer-predisposing syndrome. Last evaluated: 2026-07-29. Review status: criteria provided, single submitter. Criteria: Ambry Variant Classification Scheme 2023. Collection method: clinical testing. Allele origin: germline.
Comment: The c.1255delA pathogenic mutation, located in coding exon 11 of the PMS2 gene, results from a deletion of one nucleotide at nucleotide position 1255, causing a translational frameshift with a predicted alternate stop codon (p.R419Dfs*29). This variant is considered to be rare based on population cohorts in the Genome Aggregation Database (gnomAD). This alteration is expected to result in loss of function by premature protein truncation or nonsense-mediated mRNA decay. As such, this alteration is interpreted as a disease-causing mutation.